The following is an entry in ClinVar:

NM_025074.7(FRAS1):c.1882C>T (p.Pro628Ser)

Gene: FRAS1 (Fraser extracellular matrix complex subunit 1; plus strand). Cytogenetic location: 4q21.21.
Variant type: single nucleotide variant.
Coding change: c.1882C>T on transcript NM_025074.7 (MANE Select); coding-DNA position 1882, C replaced by T.
Protein change: p.Pro628Ser; replaces proline 628 with serine.
Molecular consequence: missense variant.
Genome position (GRCh38, 1-based): chr4:78,317,430, C>T. VCF-style: chr4-78317430-C-T. GRCh37 (hg19) VCF-style: chr4-79238584-C-T.
Other names: c.1882C>T, p.Pro628Ser (NM_001166133.2); short protein forms P628S.
Identifiers: ClinVar variation 2190636 (VCV002190636.1), dbSNP rs199542867, ClinGen allele CA2976469.

ClinVar aggregate classification (germline): Uncertain significance (1 of 4 stars; one submission).

Allele frequency attached by ClinVar (database versions not stated): 1000 Genomes Project 30x 0.00031; 1000 Genomes Project 0.00040.
gnomAD v4.1: 44 of 1,613,794 alleles (0.0027%); highest among the groups gnomAD compares: East Asian, 0.031%; no homozygotes.

Submission:

Labcorp Genetics (formerly Invitae), Labcorp
Classification: Uncertain significance. Last evaluated: 2022-06-13. Review status: criteria provided, single submitter. Criteria: Invitae Variant Classification Sherloc (09022015). Collection method: clinical testing. Allele origin: germline.
Comment: This sequence change replaces proline, which is neutral and non-polar, with serine, which is neutral and polar, at codon 628 of the FRAS1 protein (p.Pro628Ser). This variant is present in population databases (rs199542867, gnomAD 0.02%). This variant has not been reported in the literature in individuals affected with FRAS1-related conditions. Algorithms developed to predict the effect of missense changes on protein structure and function (SIFT, PolyPhen-2, Align-GVGD) all suggest that this variant is likely to be tolerated. In summary, the available evidence is currently insufficient to determine the role of this variant in disease. Therefore, it has been classified as a Variant of Uncertain Significance.